The following is an entry in ClinVar:

NM_005002.5(NDUFA9):c.19T>G (p.Ser7Ala)

Gene: NDUFA9 (NADH:ubiquinone oxidoreductase subunit A9; plus strand). Cytogenetic location: 12p13.32.
Variant type: single nucleotide variant.
Coding change: c.19T>G on transcript NM_005002.5 (MANE Select); coding-DNA position 19, T replaced by G.
Protein change: p.Ser7Ala; replaces serine 7 with alanine.
Molecular consequence: missense variant.
Genome position (GRCh38, 1-based): chr12:4,649,145, T>G. VCF-style: chr12-4649145-T-G. GRCh37 (hg19) VCF-style: chr12-4758311-T-G.
Other names: short protein forms S7A.
Identifiers: ClinVar variation 2810369 (VCV002810369.3), dbSNP rs999842443, ClinGen allele CA383447487.

ClinVar aggregate classification (germline): Uncertain significance (1 of 4 stars; one submission).

Submission:

Labcorp Genetics (formerly Invitae), Labcorp
Classification: Uncertain significance. Last evaluated: 2023-10-17. Review status: criteria provided, single submitter. Criteria: Invitae Variant Classification Sherloc (09022015). Collection method: clinical testing. Allele origin: germline.
Comment: This sequence change replaces serine, which is neutral and polar, with alanine, which is neutral and non-polar, at codon 7 of the NDUFA9 protein (p.Ser7Ala). This variant is not present in population databases (gnomAD no frequency). This variant has not been reported in the literature in individuals affected with NDUFA9-related conditions. Algorithms developed to predict the effect of missense changes on protein structure and function output the following: SIFT: "Not Available"; PolyPhen-2: "Benign"; Align-GVGD: "Not Available". The alanine amino acid residue is found in multiple mammalian species, which suggests that this missense change does not adversely affect protein function. In summary, the available evidence is currently insufficient to determine the role of this variant in disease. Therefore, it has been classified as a Variant of Uncertain Significance.